The following is an entry in ClinVar:

ClinVar aggregate classification (germline): Uncertain significance. Review status: criteria provided, multiple submitters, no conflicts (2 of 4 stars). 2 submissions from 2 submitters: Uncertain significance (2). Last evaluated 2026-06-09.

gnomAD v4.1: 33 of 1,602,748 alleles (0.0021%); highest among the groups gnomAD compares: Non-Finnish European, 0.0028%; no homozygotes.

Submissions (2):

Women's Health and Genetics/Laboratory Corporation of America, LabCorp
Classification: Uncertain significance. Last evaluated: 2026-06-09. Review status: criteria provided, single submitter. Criteria: LabCorp Variant Classification Summary - May 2015. Collection method: clinical testing. Allele origin: germline.
Comment: Variant summary: AEBP1 c.920T>G (p.Val307Gly) results in a non-conservative amino acid change in the encoded protein sequence. Algorithms developed to predict the effect of missense changes on protein structure and function are either unavailable or do not agree on the potential impact of this missense change. The variant allele was found at a frequency of 1.3e-05 in 234152 control chromosomes. The available data on variant occurrences in the general population are insufficient to allow any conclusion about variant significance. To our knowledge, no occurrence of c.920T>G in individuals affected with AEBP1-related conditions and no experimental evidence demonstrating its impact on protein function have been reported. ClinVar contains an entry for this variant (Variation ID: 3907462). Based on the evidence outlined above, the variant was classified as uncertain significance.

GeneDx
Classification: Uncertain significance. Last evaluated: 2025-04-28. Review status: criteria provided, single submitter. Criteria: GeneDx Variant Classification Process June 2021. Collection method: clinical testing. Allele origin: germline. Affected: yes.
Comment: Not observed at significant frequency in large population cohorts (gnomAD); In silico analysis indicates that this missense variant does not alter protein structure/function; Has not been previously published as pathogenic or benign to our knowledge

NM_001129.5(AEBP1):c.920T>G (p.Val307Gly)

Gene: AEBP1 (AE binding protein 1; plus strand). Cytogenetic location: 7p13.
Variant type: single nucleotide variant.
Coding change: c.920T>G on transcript NM_001129.5 (MANE Select); coding-DNA position 920, T replaced by G.
Protein change: p.Val307Gly; replaces valine 307 with glycine.
Molecular consequence: missense variant.
Genome position (GRCh38, 1-based): chr7:44,108,064, T>G. VCF-style: chr7-44108064-T-G. GRCh37 (hg19) VCF-style: chr7-44147663-T-G.
Other names: c.920T>G (NM_001129.4); short protein forms V307G.
Identifiers: ClinVar variation 3907462 (VCV003907462.3).